The following is an entry in ClinVar:

ClinVar aggregate classification (germline): Likely benign (1 of 4 stars; one submission).

Submission:

CeGaT Center for Human Genetics Tuebingen
Classification: Likely benign. Last evaluated: 2025-01-01. Review status: criteria provided, single submitter. Criteria: CeGaT Center For Human Genetics Tuebingen Variant Classification Criteria Version 2. Collection method: clinical testing. Allele origin: germline. Affected: yes. Observed: 1 variant allele.
Comment: MAGEL2: BP4, BP7

NM_019066.5(MAGEL2):c.483T>C (p.His161=)

Gene: MAGEL2 (MAGE family member L2; minus strand). Cytogenetic location: 15q11.2.
Variant type: single nucleotide variant.
Coding change: c.483T>C on transcript NM_019066.5 (MANE Select); coding-DNA position 483, T replaced by C.
Protein change: p.His161=; no amino-acid change (histidine 161 retained).
Molecular consequence: synonymous variant.
Genome position (GRCh38, 1-based): chr15:23,647,260, A>G on the plus strand (T>C on the coding strand, the complement: MAGEL2 is on the minus strand). VCF-style: chr15-23647260-A-G. GRCh37 (hg19) VCF-style: chr15-23892407-A-G.
Identifiers: ClinVar variation 3770667 (VCV003770667.13).